The following is an entry in ClinVar:

ClinVar aggregate classification (germline): Likely benign. Review status: criteria provided, multiple submitters, no conflicts (2 of 4 stars). 3 submissions from 3 submitters: Likely benign (3). Last evaluated 2025-07-20.

Conditions:
Hypertrophic cardiomyopathy 12. Identifiers: MedGen C2677491, MONDO:0012804, OMIM 612124.
Dilated cardiomyopathy 1M (CMD1M). Identifiers: Orphanet 154, MedGen C1843808, MONDO:0011840, OMIM 607482.
Cardiovascular phenotype. Identifiers: MedGen CN230736.

Allele frequency attached by ClinVar (database versions not stated): TOPMed 0.00002.
gnomAD v4.1: 3 of 1,612,528 alleles (0.00019%); highest among the groups gnomAD compares: African/African-American, 0.004%; no homozygotes.

Submissions (3):

Labcorp Genetics (formerly Invitae), Labcorp
Classification: Likely benign for Hypertrophic cardiomyopathy 12; Dilated cardiomyopathy 1M. Last evaluated: 2025-07-20. Review status: criteria provided, single submitter. Criteria: Invitae Variant Classification Sherloc (09022015). Collection method: clinical testing. Allele origin: germline.

Ambry Genetics
Classification: Likely benign for Cardiovascular phenotype. Last evaluated: 2023-08-03. Review status: criteria provided, single submitter. Criteria: Ambry Variant Classification Scheme 2023. Collection method: clinical testing. Allele origin: germline.

GeneDx
Classification: Likely benign. Last evaluated: 2016-06-27. Review status: criteria provided, single submitter. Criteria: GeneDx Variant Classification (06012015). Collection method: clinical testing. Allele origin: germline. Affected: yes.
Comment: This variant is considered likely benign or benign based on one or more of the following criteria: it is a conservative change, it occurs at a poorly conserved position in the protein, it is predicted to be benign by multiple in silico algorithms, and/or has population frequency not consistent with disease.

NM_003476.5(CSRP3):c.147C>A (p.Val49=)

Gene: CSRP3 (cysteine and glycine rich protein 3; minus strand). Cytogenetic location: 11p15.1.
Variant type: single nucleotide variant.
Coding change: c.147C>A on transcript NM_003476.5 (MANE Select); coding-DNA position 147, C replaced by A.
Protein change: p.Val49=; no amino-acid change (valine 49 retained).
Molecular consequence: synonymous variant. On other transcripts: intron variant (1).
Genome position (GRCh38, 1-based): chr11:19,188,270, G>T on the plus strand (C>A on the coding strand, the complement: CSRP3 is on the minus strand). VCF-style: chr11-19188270-G-T. GRCh37 (hg19) VCF-style: chr11-19209817-G-T.
Other names: c.147C>A (LRG_440t1); c.113-1922C>A (NM_001369404.1).
Identifiers: ClinVar variation 387168 (VCV000387168.5), dbSNP rs576346189, ClinGen allele CA16606208.